The following is an entry in ClinVar:

ClinVar aggregate classification (germline): Pathogenic (1 of 4 stars; one submission).

Conditions:
Cardiovascular phenotype. Identifiers: MedGen CN230736.

Submission:

Ambry Genetics
Classification: Pathogenic for Cardiovascular phenotype. Last evaluated: 2022-11-18. Review status: criteria provided, single submitter. Criteria: Ambry Variant Classification Scheme 2023. Collection method: clinical testing. Allele origin: germline.
Comment: The c.449_450delTT pathogenic mutation, located in coding exon 5 of the DSG2 gene, results from a deletion of two nucleotides at nucleotide positions 449 to 450, causing a translational frameshift with a predicted alternate stop codon (p.L150Rfs*4). This variant is considered to be rare based on population cohorts in the Genome Aggregation Database (gnomAD). In addition, this alteration is expected to result in loss of function by premature protein truncation or nonsense-mediated mRNA decay. As such, this alteration is interpreted as a disease-causing mutation.

NM_001943.5(DSG2):c.449_450del (p.Leu150fs)

Gene: DSG2 (desmoglein 2; plus strand). Cytogenetic location: 18q12.1.
Variant type: Deletion.
Coding change: c.449_450del on transcript NM_001943.5 (MANE Select); coding-DNA positions 449 to 450, 2 bases deleted (TT; older notation c.449_450delTT).
Protein change: p.Leu150fs; shifts the reading frame from leucine 150.
Molecular consequence: frameshift variant.
Genome position (GRCh38, 1-based): chr18:31,521,169-31,521,170, TT deleted. VCF-style (leftmost placement, unchanged base first): chr18-31521168-CTT-C. GRCh37 (hg19) VCF-style: chr18-29101131-CTT-C.
Other names: short protein forms L150fs.
Identifiers: ClinVar variation 2448369 (VCV002448369.2), dbSNP rs2510911089, ClinGen allele CA2580095590.